The following is an entry in ClinVar:

NM_013254.4(TBK1):c.1037T>C (p.Ile346Thr)

Gene: TBK1 (TANK binding kinase 1; plus strand). Cytogenetic location: 12q14.2.
Variant type: single nucleotide variant.
Coding change: c.1037T>C on transcript NM_013254.4 (MANE Select); coding-DNA position 1037, T replaced by C.
Protein change: p.Ile346Thr; replaces isoleucine 346 with threonine.
Molecular consequence: missense variant.
Genome position (GRCh38, 1-based): chr12:64,484,347, T>C. VCF-style: chr12-64484347-T-C. GRCh37 (hg19) VCF-style: chr12-64878127-T-C.
Other names: short protein forms I346T.
Identifiers: ClinVar variation 1439113 (VCV001439113.8), dbSNP rs763874949, ClinGen allele CA6668958.

ClinVar aggregate classification (germline): Uncertain significance. Review status: criteria provided, multiple submitters, no conflicts (2 of 4 stars). 2 submissions from 2 submitters: Uncertain significance (2). Last evaluated 2022-03-06.

Conditions:
Frontotemporal dementia and/or amyotrophic lateral sclerosis 4. Also called: FTDALS4. Identifiers: Orphanet 275872, MedGen C4225325, MONDO:0014641, OMIM 616439.

Allele frequency attached by ClinVar (database versions not stated): gnomAD exomes below 0.00001 and 0.00001; ExAC 0.00001; TOPMed 0.00002.
gnomAD v4.1: 2 of 1,613,724 alleles (0.00012%); highest among the groups gnomAD compares: Admixed American, 0.0033%; no homozygotes.

Submissions (2):

Labcorp Genetics (formerly Invitae), Labcorp
Classification: Uncertain significance for Frontotemporal dementia and/or amyotrophic lateral sclerosis 4. Last evaluated: 2022-03-06. Review status: criteria provided, single submitter. Criteria: Invitae Variant Classification Sherloc (09022015). Collection method: clinical testing. Allele origin: germline.
Comment: This sequence change replaces isoleucine, which is neutral and non-polar, with threonine, which is neutral and polar, at codon 346 of the TBK1 protein (p.Ile346Thr). This variant is present in population databases (rs763874949, gnomAD 0.003%). This variant has not been reported in the literature in individuals affected with TBK1-related conditions. Advanced modeling of protein sequence and biophysical properties (such as structural, functional, and spatial information, amino acid conservation, physicochemical variation, residue mobility, and thermodynamic stability) performed at Invitae indicates that this missense variant is not expected to disrupt TBK1 protein function. In summary, the available evidence is currently insufficient to determine the role of this variant in disease. Therefore, it has been classified as a Variant of Uncertain Significance.

Laboratorio de Genetica e Diagnostico Molecular, Hospital Israelita Albert Einstein
Classification: Uncertain significance. Last evaluated: 2020-02-03. Review status: criteria provided, single submitter. Criteria: ACMG Guidelines, 2015. Collection method: clinical testing. Allele origin: germline. Affected: yes.
Comment: ACMG classification criteria: PM2, BP4